The following is an entry in ClinVar:

NM_002474.3(MYH11):c.479C>T (p.Thr160Met)

Gene: MYH11 (myosin heavy chain 11; minus strand). Cytogenetic location: 16p13.11.
Variant type: single nucleotide variant.
Coding change: c.479C>T on transcript NM_002474.3 (MANE Select); coding-DNA position 479, C replaced by T.
Protein change: p.Thr160Met; replaces threonine 160 with methionine.
Molecular consequence: missense variant.
Genome position (GRCh38, 1-based): chr16:15,823,278, G>A on the plus strand (C>T on the coding strand, the complement: MYH11 is on the minus strand). VCF-style: chr16-15823278-G-A. GRCh37 (hg19) VCF-style: chr16-15917135-G-A.
Other names: p.T160M:ACG>ATG; c.479C>T, p.Thr160Met (NM_001040113.2, NM_001040114.2, NM_022844.3); short protein forms T160M.
Identifiers: ClinVar variation 201098 (VCV000201098.10), dbSNP rs794728671, ClinGen allele CA306637.
Genomic context (GRCh38, chr16:15,823,278, plus strand): 5'-CCTGGAGCTGGCCCCGTGCAGCCCTGAGTTCACTCACCTTGAAGCATGCTCCGGTAGGCC[G>A]TGTCTGCGATGGCGTAGATGTGAGGCGGCATCTCGTGCCTCTTCTTGCCCTTGTACATGT-3'
Protein context (NP_002465.1, residues 150-170): MPPHIYAIAD[Thr160Met]AYRSMLQDRE

ClinVar aggregate classification (germline): Uncertain significance. Review status: criteria provided, multiple submitters, no conflicts (2 of 4 stars). 6 submissions from 6 submitters: Uncertain significance (6). Last evaluated 2026-09-04.

Conditions:
Familial thoracic aortic aneurysm and aortic dissection (TAAD). Also called: Thoracic aortic aneurysms and dissections. Identifiers: Orphanet 91387, MedGen C4707243, MONDO:0019625.
Aortic aneurysm, familial thoracic 4 (AAT4). Also called: AORTIC ANEURYSM/AORTIC DISSECTION AND PATENT DUCTUS ARTERIOSUS. Identifiers: MedGen C1851504, MONDO:0007568, OMIM 132900.

Allele frequency attached by ClinVar (database versions not stated): TOPMed 0.00001; gnomAD exomes below 0.00001; gnomAD 0.00001.

Submissions (6):

Ambry Genetics
Classification: Uncertain significance for Familial thoracic aortic aneurysm and aortic dissection. Last evaluated: 2026-09-04. Review status: criteria provided, single submitter. Criteria: Ambry Variant Classification Scheme 2023. Collection method: clinical testing. Allele origin: germline.
Comment: The p.T160M variant (also known as c.479C>T), located in coding exon 2 of the MYH11 gene, results from a C to T substitution at nucleotide position 479. The threonine at codon 160 is replaced by methionine, an amino acid with similar properties. This amino acid position is conserved. In addition, the in silico prediction for this alteration is inconclusive. Based on the available evidence, the clinical significance of this variant remains unclear.

Labcorp Genetics (formerly Invitae), Labcorp
Classification: Uncertain significance for Aortic aneurysm, familial thoracic 4. Last evaluated: 2025-11-23. Review status: criteria provided, single submitter. Criteria: Invitae Variant Classification Sherloc (09022015). Collection method: clinical testing. Allele origin: germline.
Comment: This sequence change replaces threonine, which is neutral and polar, with methionine, which is neutral and non-polar, at codon 160 of the MYH11 protein (p.Thr160Met). This variant is present in population databases (rs794728671, gnomAD 0.003%). This variant has not been reported in the literature in individuals affected with MYH11-related conditions. ClinVar contains an entry for this variant (Variation ID: 201098). Invitae Evidence Modeling of protein sequence and biophysical properties (such as structural, functional, and spatial information, amino acid conservation, physicochemical variation, residue mobility, and thermodynamic stability) indicates that this missense variant is not expected to disrupt MYH11 protein function with a negative predictive value of 95%. In summary, the available evidence is currently insufficient to determine the role of this variant in disease. Therefore, it has been classified as a Variant of Uncertain Significance.

All of Us Research Program, National Institutes of Health
Classification: Uncertain significance for Familial thoracic aortic aneurysm and aortic dissection. Last evaluated: 2024-02-05. Review status: criteria provided, single submitter. Criteria: ACMG Guidelines, 2015. Collection method: clinical testing. Allele origin: germline. Inheritance: Autosomal dominant inheritance. Observed: 4 variant alleles, 4 heterozygotes.
Comment: This missense variant replaces threonine with methionine at codon 160 of the MYH11 protein. Computational prediction is inconclusive regarding the impact of this variant on protein structure and function (internally defined REVEL score threshold 0.5 < inconclusive < 0.7, PMID: 27666373). To our knowledge, functional studies have not been reported for this variant. This variant has not been reported in individuals affected with MYH11-related disorders in the literature. This variant has been identified in 1/251462 chromosomes in the general population by the Genome Aggregation Database (gnomAD). The available evidence is insufficient to determine the role of this variant in disease conclusively. Therefore, this variant is classified as a Variant of Uncertain Significance.

This study involves interpretation of variants in research participants for the purpose of population health screening. Participant phenotype was not available at the time of variant classification. Additional details can be found in publication PMID: 35346344, PMCID: PMC8962531

Blueprint Genetics
Classification: Uncertain significance. Last evaluated: 2024-01-25. Review status: criteria provided, single submitter. Criteria: ACMG Guidelines, 2015. Collection method: clinical testing. Allele origin: germline.

Color Diagnostics, LLC DBA Color Health
Classification: Uncertain significance for Familial thoracic aortic aneurysm and aortic dissection. Last evaluated: 2023-05-10. Review status: criteria provided, single submitter. Criteria: ACMG Guidelines, 2015. Collection method: clinical testing. Allele origin: germline.
Comment: This missense variant replaces threonine with methionine at codon 160 of the MYH11 protein. Computational prediction is inconclusive regarding the impact of this variant on protein structure and function (internally defined REVEL score threshold 0.5 < inconclusive < 0.7, PMID: 27666373). To our knowledge, functional studies have not been reported for this variant. This variant has not been reported in individuals affected with MYH11-related disorders in the literature. This variant has been identified in 1/251462 chromosomes in the general population by the Genome Aggregation Database (gnomAD). The available evidence is insufficient to determine the role of this variant in disease conclusively. Therefore, this variant is classified as a Variant of Uncertain Significance.

GeneDx
Classification: Uncertain significance. Last evaluated: 2014-08-21. Review status: criteria provided, single submitter. Criteria: GeneDx Variant Classification (06012015). Collection method: clinical testing. Allele origin: germline. Affected: yes.
Comment: p.Thr160Met (ACG>ATG): c.479 C>T in exon 3 of the MYH11 gene (NM_002474.2). A variant of unknown significance has been identified in the MYH11 gene. The T160M variant has not been published as a mutation, nor has it been reported as a benign polymorphism to our knowledge. The T160M variant was not observed in approximately 6,500 individuals of European and African American ancestry in the NHLBI Exome Sequencing Project, indicating it is not a common benign variant in these populations. The T160M variant is a non-conservative amino acid substitution, which is likely to impact secondary protein structure as these residues differ in polarity, charge, size and/or other properties. Additionally, this substitution occurs at a position that is conserved among mammals and in silico analysis predicts this variant is probably damaging to the protein structure/function. However, other missense mutations in nearby residues have not been reported, indicating this region of the protein may be tolerant of change. Therefore, based on the currently available information, it is unclear whether this variant is a pathogenic mutation or a rare benign variant.The variant is found in TAAD panel(s).